The following is an entry in ClinVar:

ClinVar aggregate classification (germline): Pathogenic/Likely pathogenic. Review status: criteria provided, multiple submitters, no conflicts (2 of 4 stars). 9 submissions from 9 submitters: Pathogenic (4); Likely pathogenic (3). 2 of the submissions do not count toward it. Last evaluated 2026-03-05.

Conditions:
PPT1-related disorder. Also called: PPT1-related condition.
Neuronal ceroid lipofuscinosis. Also called: Neuronal Ceroid Lipofuscinoses. Identifiers: Orphanet 216, Orphanet 79263, MedGen C0027877, MONDO:0016295. Disease mechanism: loss of function.
Neuronal ceroid lipofuscinosis 1 (CLN1). Also called: PPT1-Related Neuronal Ceroid-Lipofuscinosis; CEROID LIPOFUSCINOSIS, NEURONAL, 1, VARIABLE AGE AT ONSET. Identifiers: Orphanet 228329, MedGen C1850451, MONDO:0009744, OMIM 256730.

Allele frequency attached by ClinVar (database versions not stated): gnomAD exomes below 0.00001 and 0.00002; ExAC 0.00003; gnomAD 0.00005; TOPMed 0.00007.
gnomAD v4.1: 14 of 1,613,904 alleles (0.00087%); highest among the groups gnomAD compares: African/African-American, 0.015%; no homozygotes.

Submissions (9):

PreventionGenetics, part of Exact Sciences
Classification: Pathogenic for PPT1-related condition. Last evaluated: 2026-03-05. Review status: criteria provided, single submitter. Criteria: ACMG Guidelines, 2015. Collection method: clinical testing. Allele origin: germline.
Comment: The PPT1 c.413C>T variant is predicted to result in the amino acid substitution p.Ser138Leu. This variant has been reported in the homozygous and compound heterozygous state in individuals with neuronal ceroid lipofuscinosis, atypical Rhett syndrome, epilepsy, and neurodevelopmental disorders (Kousi et al. 2012. PubMed ID: 21990111; Iwama et al. 2019. PubMed ID: 30842224; Kim et al. 2019. PubMed ID: 30952489; Zhao et al. 2022. PubMed ID: 35217970; Meng et al. 2023. PubMed ID: 36939041). This variant is reported in 0.018% of alleles in individuals of African descent in gnomAD. This variant is interpreted as pathogenic.

Natera, Inc.
Classification: Likely pathogenic for Neuronal ceroid lipofuscinosis 1. Last evaluated: 2026-01-23. Review status: criteria provided, single submitter. Criteria: Natera Variant Classification Schema (03/2026). Collection method: clinical testing. Allele origin: germline.
Comment: The c.413C>T variant in PPT1 is a missense variant predicted to cause substitution of serine to leucine at amino acid 138. This variant is rare in the general population with a frequency below the threshold expected for the associated phenotype(s). This variant has been observed in one or more individuals affected with the associated recessive disease, as either homozygous or compound heterozygous with a second variant (PMID: 36939041, 30842224, 30952489, 21990111). Computational prediction algorithms indicate this variant is likely to affect gene or protein function. Given the available evidence, this variant is classified as Likely Pathogenic.

Labcorp Genetics (formerly Invitae), Labcorp
Classification: Pathogenic for Neuronal ceroid lipofuscinosis 1. Last evaluated: 2025-10-09. Review status: criteria provided, single submitter. Criteria: Invitae Variant Classification Sherloc (09022015). Collection method: clinical testing. Allele origin: germline.
Comment: This sequence change replaces serine, which is neutral and polar, with leucine, which is neutral and non-polar, at codon 138 of the PPT1 protein (p.Ser138Leu). This variant is present in population databases (rs386833646, gnomAD 0.02%). This missense change has been observed in individual(s) with clinical features of neuronal ceroid lipofuscinosis 1 (PMID: 21990111, 30842224; internal data). In at least one individual the data is consistent with being in trans (on the opposite chromosome) from a pathogenic variant. ClinVar contains an entry for this variant (Variation ID: 56194). Invitae Evidence Modeling of protein sequence and biophysical properties (such as structural, functional, and spatial information, amino acid conservation, physicochemical variation, residue mobility, and thermodynamic stability) indicates that this missense variant is expected to disrupt PPT1 protein function with a positive predictive value of 95%. For these reasons, this variant has been classified as Pathogenic.

Women's Health and Genetics/Laboratory Corporation of America, LabCorp
Classification: Pathogenic for Neuronal ceroid lipofuscinosis. Last evaluated: 2025-06-09. Review status: criteria provided, single submitter. Criteria: LabCorp Variant Classification Summary - May 2015. Collection method: clinical testing. Allele origin: germline.
Comment: Variant summary: PPT1 c.413C>T (p.Ser138Leu) results in a non-conservative amino acid change in the encoded protein sequence. Algorithms developed to predict the effect of missense changes on protein structure and function all suggest that this variant is likely to be disruptive. The variant allele was found at a frequency of 2e-05 in 251288 control chromosomes.c.413C>T has been reported in the literature in multiple individuals affected with rett syndrome, neurodevelopmental disabilities, progressive myoclonic epilepsy and epilepsy (example: Iwama_2019, Kim_2019, Zhang_2020 and Zhao_2022). The following publications have been ascertained in the context of this evaluation (PMID: 21990111, 30842224, 30952489, 35217970). ClinVar contains an entry for this variant (Variation ID: 56194). Based on the evidence outlined above, the variant was classified as pathogenic.

Baylor Genetics
Classification: Likely pathogenic for Neuronal ceroid lipofuscinosis 1. Last evaluated: 2024-02-24. Review status: criteria provided, single submitter. Criteria: ACMG Guidelines, 2015. Collection method: clinical testing. Allele origin: unknown.

3billion
Classification: Likely pathogenic for Neuronal ceroid lipofuscinosis 1. Last evaluated: 2022-09-01. Review status: criteria provided, single submitter. Criteria: ACMG Guidelines, 2015. Collection method: clinical testing. Allele origin: germline. Affected: yes. Observed: 1 heterozygote.
Comment: The variant is observed at an extremely low frequency in the gnomAD v2.1.1 dataset (total allele frequency: 0.002%). The variant is in trans with the other variant (NM_000310.4:c.433+1G>A). In silico tool predictions suggest damaging effect of the variant on gene or gene product (REVEL: 0.93; 3Cnet: 0.29). Same nucleotide change resulting in same amino acid change has been previously reported to be associated with PPT1-related disorder (PMID: 21990111). Therefore, this variant is classified as Likely pathogenic according to the recommendation of ACMG/AMP guideline.

Mendelics
Classification: Pathogenic for Neuronal ceroid lipofuscinosis 1. Last evaluated: 2022-05-04. Review status: criteria provided, single submitter. Criteria: Mendelics Assertion Criteria 2019. Collection method: clinical testing. Allele origin: germline.

Counsyl
Classification: Uncertain significance for Neuronal ceroid lipofuscinosis 1. Last evaluated: 2018-05-18. Review status: no assertion criteria provided. Collection method: clinical testing. Allele origin: unknown. Not counted in ClinVar's aggregate classification.

Juha Muilu Group; Institute for Molecular Medicine Finland (FIMM)
Classification: Likely pathogenic for Ceroid lipofuscinosis neuronal 1. Review status: no assertion criteria provided. Collection method: not provided. Allele origin: unknown. Not counted in ClinVar's aggregate classification.
Comment: FinDis database variant: This variant was not found or characterized by our laboratory, data were collected from public sources: see reference
ClinVar note: Converted during submission from probable-pathogenic to Likely pathogenic.

Literature cited by the submitters: PubMed 36939041 (cited by Natera, Inc.); PubMed 30842224 (cited by 3 submitters); PubMed 30952489 (cited by Natera, Inc. and Women's Health and Genetics/Laboratory Corporation of America, LabCorp); PubMed 21990111 (cited by 4 submitters); PubMed 35217970 (cited by Women's Health and Genetics/Laboratory Corporation of America, LabCorp).

NM_000310.4(PPT1):c.413C>T (p.Ser138Leu)

Gene: PPT1 (palmitoyl-protein thioesterase 1; minus strand). Cytogenetic location: 1p34.2.
Variant type: single nucleotide variant.
Coding change: c.413C>T on transcript NM_000310.4 (MANE Select); coding-DNA position 413, C replaced by T.
Protein change: p.Ser138Leu; replaces serine 138 with leucine.
Molecular consequence: missense variant. On other transcripts: intron variant (1).
Genome position (GRCh38, 1-based): chr1:40,091,349, G>A on the plus strand (C>T on the coding strand, the complement: PPT1 is on the minus strand). VCF-style: chr1-40091349-G-A. GRCh37 (hg19) VCF-style: chr1-40557021-G-A.
Other names: c.413C>T, p.Ser138Leu (NM_001363695.2); c.125-1837C>T (NM_001142604.2); short protein forms S138L.
Identifiers: ClinVar variation 56194 (VCV000056194.20), dbSNP rs386833646, ClinGen allele CA263506.